The following is an entry in ClinVar:

NM_213599.3(ANO5):c.401A>G (p.His134Arg)

Gene: ANO5 (anoctamin 5; plus strand). Cytogenetic location: 11p14.3.
Variant type: single nucleotide variant.
Coding change: c.401A>G on transcript NM_213599.3 (MANE Select); coding-DNA position 401, A replaced by G.
Protein change: p.His134Arg; replaces histidine 134 with arginine.
Molecular consequence: missense variant.
Genome position (GRCh38, 1-based): chr11:22,227,339, A>G. VCF-style: chr11-22227339-A-G. GRCh37 (hg19) VCF-style: chr11-22248885-A-G.
Other names: c.398A>G, p.His133Arg (NM_001142649.2); c.359A>G, p.His120Arg (NM_001410963.1); c.356A>G, p.His119Arg (NM_001410964.1); short protein forms H119R, H120R, H133R, H134R.
Identifiers: ClinVar variation 3759149 (VCV003759149.2).

ClinVar aggregate classification (germline): Uncertain significance (1 of 4 stars; one submission).

Conditions:
Gnathodiaphyseal dysplasia (GDD). Also called: GNATHODIAPHYSEAL SCLEROSIS; OSTEOGENESIS IMPERFECTA WITH UNUSUAL SKELETAL LESIONS. Identifiers: Orphanet 53697, MedGen C1833736, MONDO:0008151, OMIM 166260.
Autosomal recessive limb-girdle muscular dystrophy type 2L (LGMDR12). Also called: Limb-girdle muscular dystrophy, type 2L; MUSCULAR DYSTROPHY, LIMB-GIRDLE, AUTOSOMAL RECESSIVE 12; Limb-Girdle Muscular Dystrophy R12 Anoctamin-5-Related (LGMD-R12). Identifiers: Orphanet 206549, MedGen C1969785, MONDO:0012652, OMIM 611307.

gnomAD v4.1: 6 of 1,613,276 alleles (0.00037%); highest among the groups gnomAD compares: Non-Finnish European, 0.00051%; no homozygotes.

Submission:

Labcorp Genetics (formerly Invitae), Labcorp
Classification: Uncertain significance for Autosomal recessive limb-girdle muscular dystrophy type 2L; Gnathodiaphyseal dysplasia. Last evaluated: 2024-02-17. Review status: criteria provided, single submitter. Criteria: Invitae Variant Classification Sherloc (09022015). Collection method: clinical testing. Allele origin: germline.
Comment: This sequence change replaces histidine, which is basic and polar, with arginine, which is basic and polar, at codon 134 of the ANO5 protein (p.His134Arg). This variant is present in population databases (no rsID available, gnomAD 0.007%). This missense change has been observed in individual(s) with clinical features of autosomal recessive ANO5-related conditions (PMID: 23606453). Advanced modeling of protein sequence and biophysical properties (such as structural, functional, and spatial information, amino acid conservation, physicochemical variation, residue mobility, and thermodynamic stability) performed at Invitae indicates that this missense variant is expected to disrupt ANO5 protein function with a positive predictive value of 95%. This variant disrupts the p.His134 amino acid residue in ANO5. Other variant(s) that disrupt this residue have been observed in individuals with ANO5-related conditions (PMID: 22527239, 23606453), which suggests that this may be a clinically significant amino acid residue. In summary, the available evidence is currently insufficient to determine the role of this variant in disease. Therefore, it has been classified as a Variant of Uncertain Significance.

Literature cited by the submitters: PubMed 23606453; PubMed 22527239.